The following is an entry in ClinVar:

NM_000038.6(APC):c.3765C>T (p.Asn1255=)

Gene: APC (APC regulator of Wnt signaling pathway; plus strand). Cytogenetic location: 5q22.2.
Variant type: single nucleotide variant.
Coding change: c.3765C>T on transcript NM_000038.6 (MANE Select); coding-DNA position 3765, C replaced by T.
Protein change: p.Asn1255=; no amino-acid change (asparagine 1255 retained).
Molecular consequence: synonymous variant.
Genome position (GRCh38, 1-based): chr5:112,839,359, C>T. VCF-style: chr5-112839359-C-T. GRCh37 (hg19) VCF-style: chr5-112175056-C-T.
Other names: c.3765C>T, p.Asn1255= (NM_001127510.3, NM_001354895.2); c.3711C>T, p.Asn1237= (NM_001127511.3); c.3819C>T, p.Asn1273= (NM_001354896.2); c.3795C>T, p.Asn1265= (NM_001354897.2); c.3690C>T, p.Asn1230= (NM_001354898.2); c.3681C>T, p.Asn1227= (NM_001354899.2); c.3642C>T, p.Asn1214= (NM_001354900.2); c.3588C>T, p.Asn1196= (NM_001354901.2); and 5 more.
Identifiers: ClinVar variation 801032 (VCV000801032.16), dbSNP rs876659957, ClinGen allele CA445963684.

ClinVar aggregate classification (germline): Conflicting classifications of pathogenicity. Review status: criteria provided, conflicting classifications (1 of 4 stars). 5 submissions from 5 submitters: Uncertain significance (1); Benign (1); Likely benign (3). Last evaluated 2024-03-22.

Conditions:
Familial adenomatous polyposis 1 (FAP1). Also called: POLYPOSIS, ADENOMATOUS INTESTINAL; FAMILIAL ADENOMATOUS POLYPOSIS 1, ATTENUATED. Identifiers: MedGen C2713442, MONDO:0021056, OMIM 175100. Disease mechanism: loss of function.
Hereditary cancer-predisposing syndrome. Also called: Tumor predisposition; Neoplastic Syndromes, Hereditary; Hereditary Cancer Syndrome; Hereditary neoplastic syndrome. Identifiers: Orphanet 140162, MedGen C0027672, MeSH D009386, MONDO:0015356.

Submissions (5):

Myriad Genetics, Inc.
Classification: Benign for Familial adenomatous polyposis 1. Last evaluated: 2024-03-22. Review status: criteria provided, single submitter. Criteria: Myriad Autosomal Dominant, Autosomal Recessive and X-Linked Classification Criteria (2023). Collection method: clinical testing. Allele origin: unknown.
Comment: This variant is considered benign. This variant is a silent/synonymous amino acid change and it is not expected to impact splicing.

Labcorp Genetics (formerly Invitae), Labcorp
Classification: Likely benign for Familial adenomatous polyposis 1. Last evaluated: 2023-08-09. Review status: criteria provided, single submitter. Criteria: Invitae Variant Classification Sherloc (09022015). Collection method: clinical testing. Allele origin: germline.

Ambry Genetics
Classification: Likely benign for Hereditary cancer-predisposing syndrome. Last evaluated: 2022-04-23. Review status: criteria provided, single submitter. Criteria: Ambry Variant Classification Scheme 2023. Collection method: clinical testing. Allele origin: germline.

Quest Diagnostics Nichols Institute San Juan Capistrano
Classification: Uncertain significance. Last evaluated: 2019-01-11. Review status: criteria provided, single submitter. Criteria: Quest Diagnostics criteria. Collection method: clinical testing. Allele origin: germline.

Color Diagnostics, LLC DBA Color Health
Classification: Likely benign for Hereditary cancer-predisposing syndrome. Last evaluated: 2018-11-26. Review status: criteria provided, single submitter. Criteria: ACMG Guidelines, 2015. Collection method: clinical testing. Allele origin: germline.